The following is an entry in ClinVar:

NM_001048174.2(MUTYH):c.339G>T (p.Gln113His)

Gene: MUTYH (mutY DNA glycosylase; minus strand). Cytogenetic location: 1p34.1.
Variant type: single nucleotide variant.
Coding change: c.339G>T on transcript NM_001048174.2 (MANE Select); coding-DNA position 339, G replaced by T.
Protein change: p.Gln113His; replaces glutamine 113 with histidine.
Molecular consequence: missense variant. On other transcripts: non-coding transcript variant (1), intron variant (2).
Genome position (GRCh38, 1-based): chr1:45,333,136, C>A on the plus strand (G>T on the coding strand, the complement: MUTYH is on the minus strand). VCF-style: chr1-45333136-C-A. GRCh37 (hg19) VCF-style: chr1-45798808-C-A.
Other names: c.339G>T, p.Gln113His (NM_001048171.2, NM_001048173.2, NM_001293195.2); c.342G>T, p.Gln114His (NM_001048172.2); c.423G>T, p.Gln141His (NM_001128425.2); c.384G>T, p.Gln128His (NM_001293190.2); c.372G>T, p.Gln124His (NM_001293191.2); c.63G>T, p.Gln21His (NM_001293192.2, NM_001293196.2); c.414G>T, p.Gln138His (NM_012222.3); c.33+149G>T (NM_001350651.2, NM_001350650.2); short protein forms Q113H, Q138H, Q21H, Q124H, Q128H, Q141H, Q114H.
Identifiers: ClinVar variation 1472205 (VCV001472205.11), dbSNP rs371317117, ClinGen allele CA340136146.
Genomic context (GRCh38, chr1:45,333,136, plus strand): 5'-CCCTTCCTCCCCTGGAGTCACCTGCATCCATCCGGTATAGTAGTTGATCACAGTGGCAAC[C>A]TGGGTCTGCTGCAGCATGACCTCTGAGACCCACACTGGGGGAAAGGGGTTGGCATGAGGA-3'
Protein context (NP_001041639.1, residues 103-123): WVSEVMLQQT[Gln113His]VATVINYYTG

ClinVar aggregate classification (germline): Uncertain significance. Review status: criteria provided, multiple submitters, no conflicts (2 of 4 stars). 2 submissions from 2 submitters: Uncertain significance (2). Last evaluated 2025-05-05.

Conditions:
Familial adenomatous polyposis 2. Also called: MYH-associated polyposis; Adenomas, multiple colorectal; COLORECTAL ADENOMATOUS POLYPOSIS, AUTOSOMAL RECESSIVE; ADENOMAS, MULTIPLE COLORECTAL, AUTOSOMAL RECESSIVE; FAP type 2; MUTYH Polyposis. Identifiers: Orphanet 220460, Orphanet 247798, MedGen C3272841, MONDO:0012041, OMIM 608456.
Hereditary cancer-predisposing syndrome. Also called: Tumor predisposition; Neoplastic Syndromes, Hereditary; Hereditary Cancer Syndrome; Hereditary neoplastic syndrome. Identifiers: Orphanet 140162, MedGen C0027672, MeSH D009386, MONDO:0015356.

Submissions (2):

Ambry Genetics
Classification: Uncertain significance for Hereditary cancer-predisposing syndrome. Last evaluated: 2025-05-05. Review status: criteria provided, single submitter. Criteria: Ambry Variant Classification Scheme 2023. Collection method: clinical testing. Allele origin: germline.
Comment: The p.Q141H variant (also known as c.423G>T), located in coding exon 5 of the MUTYH gene, results from a G to T substitution at nucleotide position 423. The glutamine at codon 141 is replaced by histidine, an amino acid with highly similar properties. This amino acid position is conserved. In addition, this alteration is predicted to be deleterious by in silico analysis. Since supporting evidence is limited at this time, the clinical significance of this alteration remains unclear.

Labcorp Genetics (formerly Invitae), Labcorp
Classification: Uncertain significance for Familial adenomatous polyposis 2. Last evaluated: 2024-08-22. Review status: criteria provided, single submitter. Criteria: Invitae Variant Classification Sherloc (09022015). Collection method: clinical testing. Allele origin: germline.
Comment: This sequence change replaces glutamine, which is neutral and polar, with histidine, which is basic and polar, at codon 141 of the MUTYH protein (p.Gln141His). This variant is not present in population databases (gnomAD no frequency). This variant has not been reported in the literature in individuals affected with MUTYH-related conditions. ClinVar contains an entry for this variant (Variation ID: 1472205). An algorithm developed to predict the effect of missense changes on protein structure and function (PolyPhen-2) suggests that this variant is likely to be disruptive. In summary, the available evidence is currently insufficient to determine the role of this variant in disease. Therefore, it has been classified as a Variant of Uncertain Significance.